The following is an entry in ClinVar:

NM_017671.5(FERMT1):c.835G>A (p.Asp279Asn)

Gene: FERMT1 (FERM domain containing kindlin 1; minus strand). Cytogenetic location: 20p12.3.
Variant type: single nucleotide variant.
Coding change: c.835G>A on transcript NM_017671.5 (MANE Select); coding-DNA position 835, G replaced by A.
Protein change: p.Asp279Asn; replaces aspartic acid 279 with asparagine.
Molecular consequence: missense variant.
Genome position (GRCh38, 1-based): chr20:6,107,546, C>T on the plus strand (G>A on the coding strand, the complement: FERMT1 is on the minus strand). VCF-style: chr20-6107546-C-T. GRCh37 (hg19) VCF-style: chr20-6088193-C-T.
Other names: short protein forms D279N.
Identifiers: ClinVar variation 1357829 (VCV001357829.8), dbSNP rs150248382, ClinGen allele CA9758345.
Genomic context (GRCh38, chr20:6,107,546, plus strand): 5'-GCATTCATATTAAAAAGAGAAAGACAAAAGAGAAAAAGTTGCTTACTTTAGGATTCAAGT[C>T]GAAGAAAGAATAATATTTAAATCGTAAGAGCAGCTGCTCATCCTCTTGGATGCCTTGTTC-3'
Protein context (NP_060141.3, residues 269-289): LLRFKYYSFF[Asp279Asn]LNPKYDAVRI

ClinVar aggregate classification (germline): Uncertain significance (1 of 4 stars; one submission).

Allele frequency attached by ClinVar (database versions not stated): gnomAD 0.00001; gnomAD exomes 0.00002; ExAC 0.00003.
gnomAD v4.1: 18 of 1,607,538 alleles (0.0011%); highest among the groups gnomAD compares: Admixed American, 0.005%; no homozygotes.

Submission:

Labcorp Genetics (formerly Invitae), Labcorp
Classification: Uncertain significance. Last evaluated: 2020-12-29. Review status: criteria provided, single submitter. Criteria: Invitae Variant Classification Sherloc (09022015). Collection method: clinical testing. Allele origin: germline.
Comment: In summary, the available evidence is currently insufficient to determine the role of this variant in disease. Therefore, it has been classified as a Variant of Uncertain Significance. Algorithms developed to predict the effect of missense changes on protein structure and function are either unavailable or do not agree on the potential impact of this missense change (SIFT: "Deleterious"; PolyPhen-2: "Probably Damaging"; Align-GVGD: "Class C15"). This variant has not been reported in the literature in individuals with FERMT1-related conditions. This variant is present in population databases (rs150248382, ExAC 0.03%). This sequence change replaces aspartic acid with asparagine at codon 279 of the FERMT1 protein (p.Asp279Asn). The aspartic acid residue is highly conserved and there is a small physicochemical difference between aspartic acid and asparagine.